The following is an entry in ClinVar:

ClinVar aggregate classification (germline): Uncertain significance (1 of 4 stars; one submission).

gnomAD v4.1: 10 of 1,612,934 alleles (0.00062%); highest among the groups gnomAD compares: Middle Eastern, 0.049%; no homozygotes.

Submission:

Labcorp Genetics (formerly Invitae), Labcorp
Classification: Uncertain significance. Last evaluated: 2025-10-15. Review status: criteria provided, single submitter. Criteria: Invitae Variant Classification Sherloc (09022015). Collection method: clinical testing. Allele origin: germline.
Comment: This sequence change replaces glycine, which is neutral and non-polar, with serine, which is neutral and polar, at codon 735 of the CNOT1 protein (p.Gly735Ser). This variant is present in population databases (no rsID available, gnomAD 0.0009%). This variant has not been reported in the literature in individuals affected with CNOT1-related conditions. An algorithm developed to predict the effect of missense changes on protein structure and function (PolyPhen-2) suggests that this variant is likely to be tolerated. In summary, the available evidence is currently insufficient to determine the role of this variant in disease. Therefore, it has been classified as a Variant of Uncertain Significance.

NM_016284.5(CNOT1):c.2203G>A (p.Gly735Ser)

Gene: CNOT1 (CCR4-NOT transcription complex subunit 1; minus strand). Cytogenetic location: 16q21.
Variant type: single nucleotide variant.
Coding change: c.2203G>A on transcript NM_016284.5 (MANE Select); coding-DNA position 2203, G replaced by A.
Protein change: p.Gly735Ser; replaces glycine 735 with serine.
Molecular consequence: missense variant. On other transcripts: non-coding transcript variant (1).
Genome position (GRCh38, 1-based): chr16:58,558,602, C>T on the plus strand (G>A on the coding strand, the complement: CNOT1 is on the minus strand). VCF-style: chr16-58558602-C-T. GRCh37 (hg19) VCF-style: chr16-58592506-C-T.
Other names: c.2203G>A, p.Gly735Ser (NM_001265612.2, NM_206999.3); short protein forms G735S.
Identifiers: ClinVar variation 4765312 (VCV004765312.1).
Genomic context (GRCh38, chr16:58,558,602, plus strand): 5'-GAAATGCTTTTGCTGGTGACTGAGGGGTACTGAATGCAGAACCCAAATTTGGAGGAAAAC[C>T]CTGCATACTCTGGGTGTGAGGGGCAGCTGAACCACCTATACTAAGAGATGTCATTCCAGC-3'
Protein context (NP_057368.3, residues 725-745): SAAPHTQSMQ[Gly735Ser]FPPNLGSAFS